The following is an entry in ClinVar:

NM_000132.4(F8):c.2113G>C (p.Gly705Arg)

Gene: F8 (coagulation factor VIII; minus strand). Cytogenetic location: Xq28.
Variant type: single nucleotide variant.
Coding change: c.2113G>C on transcript NM_000132.4 (MANE Select); coding-DNA position 2113, G replaced by C.
Protein change: p.Gly705Arg; replaces glycine 705 with arginine.
Molecular consequence: missense variant.
Genome position (GRCh38, 1-based): chrX:154,947,698, C>G on the plus strand (G>C on the coding strand, the complement: F8 is on the minus strand). VCF-style: chrX-154947698-C-G. GRCh37 (hg19) VCF-style: chrX-154175973-C-G.
Other names: short protein forms G705R.
Identifiers: ClinVar variation 4847370 (VCV004847370.1).

ClinVar aggregate classification (germline): Likely pathogenic (1 of 4 stars; one submission).

Conditions:
Hereditary factor VIII deficiency disease (HEMA). Also called: HEMOPHILIA, CLASSIC; Hemophilia A; Hemophilia A, congenital; HEM A; Factor 8 deficiency, congenital; AUTOSOMAL HEMOPHILIA A. Identifiers: Orphanet 98878, MedGen C0019069, MONDO:0010602, OMIM 306700.

Submission:

Women's Health and Genetics/Laboratory Corporation of America, LabCorp
Classification: Likely pathogenic for Hereditary factor VIII deficiency disease. Last evaluated: 2026-03-09. Review status: criteria provided, single submitter. Criteria: LabCorp Variant Classification Summary - May 2015. Collection method: clinical testing. Allele origin: germline.
Comment: Variant summary: F8 c.2113G>C (p.Gly705Arg) results in a non-conservative amino acid change in the encoded protein sequence. Algorithms developed to predict the effect of missense changes on protein structure and function all suggest that this variant is likely to be disruptive. Several computational tools predict a significant impact on normal splicing: Four predict the variant weakens a 5' donor site. One predict the variant abolishes a 5' splicing donor site. However, these predictions have yet to be confirmed by functional studies. The variant was absent in 182317 control chromosomes. c.2113G>C has been observed in individual(s) affected with Factor VIII Deficiency (Hemophilia A) (Astermark_2005, Rydz_2013). These data indicate that the variant is likely to be associated with disease. To our knowledge, no experimental evidence demonstrating an impact on protein function has been reported. The following publications have been ascertained in the context of this evaluation (PMID: 15996930, 23913812). No submitters have cited clinical-significance assessments for this variant to ClinVar. Based on the evidence outlined above, the variant was classified as likely pathogenic.

Literature cited by the submitters: PubMed 23913812; PubMed 15996930.